The following is an entry in ClinVar:

NM_001378609.3(OTOGL):c.1395-3T>C

Gene: OTOGL (otogelin like; plus strand). Cytogenetic location: 12q21.31.
Variant type: single nucleotide variant.
Coding change: c.1395-3T>C on transcript NM_001378609.3 (MANE Select); 3 bases into the intron before coding-DNA position 1395, T replaced by C.
Molecular consequence: intron variant.
Genome position (GRCh38, 1-based): chr12:80,254,521, T>C. VCF-style: chr12-80254521-T-C. GRCh37 (hg19) VCF-style: chr12-80648301-T-C.
Other names: c.1395-3T>C (NM_001368062.3, NM_001378610.3, NM_173591.7).
Identifiers: ClinVar variation 501971 (VCV000501971.9), dbSNP rs374833540, ClinGen allele CA6700451.

ClinVar aggregate classification (germline): Uncertain significance. Review status: criteria provided, multiple submitters, no conflicts (2 of 4 stars). 3 submissions from 3 submitters: Uncertain significance (3). Last evaluated 2022-11-28.

Conditions:
Autosomal recessive nonsyndromic hearing loss 84B. Also called: Deafness, autosomal recessive 84b. Identifiers: Orphanet 90636, MedGen C3554159, MONDO:0013984, OMIM 614944.

Allele frequency attached by ClinVar (database versions not stated): gnomAD exomes 0.00002 and 0.00005; ExAC 0.00004; ESP Exome Variant Server 0.00017; TOPMed 0.00036; gnomAD 0.00038 and 0.00039; 1000 Genomes Project 0.00040; 1000 Genomes Project 30x 0.00047.
gnomAD v4.1: 92 of 1,602,922 alleles (0.0057%); highest among the groups gnomAD compares: African/African-American, 0.1%; no homozygotes.

Submissions (3):

Labcorp Genetics (formerly Invitae), Labcorp
Classification: Uncertain significance. Last evaluated: 2022-11-28. Review status: criteria provided, single submitter. Criteria: Invitae Variant Classification Sherloc (09022015). Collection method: clinical testing. Allele origin: germline.
Comment: In summary, the available evidence is currently insufficient to determine the role of this variant in disease. Therefore, it has been classified as a Variant of Uncertain Significance. Variants that disrupt the consensus splice site are a relatively common cause of aberrant splicing (PMID: 17576681, 9536098). Algorithms developed to predict the effect of sequence changes on RNA splicing suggest that this variant is not likely to affect RNA splicing. ClinVar contains an entry for this variant (Variation ID: 501971). This variant has not been reported in the literature in individuals affected with OTOGL-related conditions. This variant is present in population databases (rs374833540, gnomAD 0.09%). This sequence change falls in intron 13 of the OTOGL gene. It does not directly change the encoded amino acid sequence of the OTOGL protein. It affects a nucleotide within the consensus splice site.

Baylor Genetics
Classification: Uncertain significance for Autosomal recessive nonsyndromic hearing loss 84B. Last evaluated: 2018-09-07. Review status: criteria provided, single submitter. Criteria: ACMG Guidelines, 2015. Collection method: clinical testing. Allele origin: unknown. Affected: yes.
Comment: This variant was determined to be of uncertain significance according to ACMG Guidelines, 2015 [PMID:25741868].

Eurofins Ntd Llc (ga)
Classification: Uncertain significance. Last evaluated: 2017-05-22. Review status: criteria provided, single submitter. Criteria: EGL Classification Definitions 2015. Collection method: clinical testing. Allele origin: germline. Observed: 1 variant allele, 1 heterozygote.

Literature cited by the submitters: PubMed 17576681 (cited by Labcorp Genetics (formerly Invitae), Labcorp); PubMed 9536098 (cited by Labcorp Genetics (formerly Invitae), Labcorp).